The following is an entry in ClinVar:

NM_001349253.2(SCN11A):c.3496G>C (p.Val1166Leu)

Genes: SCN11A (sodium voltage-gated channel alpha subunit 11; minus strand), LOC126806652 (CDK7 strongly-dependent group 2 enhancer GRCh37_chr3:38912374-38913573; plus strand). Cytogenetic location: 3p22.2.
Variant type: single nucleotide variant.
Coding change: c.3496G>C on transcript NM_001349253.2 (MANE Select); coding-DNA position 3496, G replaced by C.
Protein change: p.Val1166Leu; replaces valine 1166 with leucine.
Molecular consequence: missense variant.
Genome position (GRCh38, 1-based): chr3:38,871,708, C>G on the plus strand (G>C on the coding strand, the complement: SCN11A is on the minus strand). VCF-style: chr3-38871708-C-G. GRCh37 (hg19) VCF-style: chr3-38913199-C-G.
Other names: c.3496G>C, p.Val1166Leu (NM_014139.3); short protein forms V1166L.
Identifiers: ClinVar variation 3750514 (VCV003750514.2).

ClinVar aggregate classification (germline): Uncertain significance (1 of 4 stars; one submission).

Conditions:
Hereditary sensory and autonomic neuropathy type 7. Also called: HSAN VII; Neuropathy, hereditary sensory and autonomic, type VII. Identifiers: Orphanet 391397, MedGen C3809882, MONDO:0014244, OMIM 615548.
Familial episodic pain syndrome with predominantly lower limb involvement. Also called: Episodic pain syndrome, familial, 3. Identifiers: Orphanet 391384, Orphanet 391392, MedGen C3809899, MONDO:0014247, OMIM 615552.

gnomAD v4.1: 2 of 1,581,440 alleles (0.00013%); highest among the groups gnomAD compares: Non-Finnish European, 0.00017%; no homozygotes.

Submission:

Labcorp Genetics (formerly Invitae), Labcorp
Classification: Uncertain significance for Familial episodic pain syndrome with predominantly lower limb involvement; Hereditary sensory and autonomic neuropathy type 7. Last evaluated: 2024-07-17. Review status: criteria provided, single submitter. Criteria: Invitae Variant Classification Sherloc (09022015). Collection method: clinical testing. Allele origin: germline.
Comment: This sequence change replaces valine, which is neutral and non-polar, with leucine, which is neutral and non-polar, at codon 1166 of the SCN11A protein (p.Val1166Leu). This variant is not present in population databases (gnomAD no frequency). This variant has not been reported in the literature in individuals affected with SCN11A-related conditions. An algorithm developed to predict the effect of missense changes on protein structure and function (PolyPhen-2) suggests that this variant is likely to be disruptive. Algorithms developed to predict the effect of sequence changes on RNA splicing suggest that this variant may disrupt the consensus splice site. In summary, the available evidence is currently insufficient to determine the role of this variant in disease. Therefore, it has been classified as a Variant of Uncertain Significance.